The following is an entry in ClinVar:

ClinVar aggregate classification (germline): Benign/Likely benign. Review status: criteria provided, multiple submitters, no conflicts (2 of 4 stars). 4 submissions from 4 submitters: Benign (1); Likely benign (3). Last evaluated 2026-01-22.

Conditions:
Familial cancer of breast. Also called: Hereditary breast cancer; BREAST CANCER, FAMILIAL; hereditary breast carcinoma. Identifiers: Orphanet 227535, MedGen C0346153, MONDO:0016419, OMIM 114480. Disease mechanism: loss of function.
Hereditary cancer-predisposing syndrome. Also called: Hereditary Cancer Syndrome; Neoplastic Syndromes, Hereditary; Tumor predisposition; Hereditary neoplastic syndrome. Identifiers: Orphanet 140162, MedGen C0027672, MeSH D009386, MONDO:0015356.

Allele frequency attached by ClinVar (database versions not stated): gnomAD exomes below 0.00001 and 0.00001; TOPMed 0.00002.
gnomAD v4.1: 2 of 1,614,090 alleles (0.00012%); highest among the groups gnomAD compares: African/African-American, 0.0027%; no homozygotes.

Submissions (4):

Labcorp Genetics (formerly Invitae), Labcorp
Classification: Likely benign for Familial cancer of breast. Last evaluated: 2026-01-22. Review status: criteria provided, single submitter. Criteria: Invitae Variant Classification Sherloc (09022015). Collection method: clinical testing. Allele origin: germline.

Myriad Genetics, Inc.
Classification: Benign for Familial cancer of breast. Last evaluated: 2024-07-26. Review status: criteria provided, single submitter. Criteria: Myriad Autosomal Dominant, Autosomal Recessive and X-Linked Classification Criteria (2023). Collection method: clinical testing. Allele origin: unknown.
Comment: This variant is considered benign. This variant is a silent/synonymous amino acid change and it is not expected to impact splicing.

Ambry Genetics
Classification: Likely benign for Hereditary cancer-predisposing syndrome. Last evaluated: 2019-06-04. Review status: criteria provided, single submitter. Criteria: Ambry Variant Classification Scheme 2023. Collection method: clinical testing. Allele origin: germline.

Color Diagnostics, LLC DBA Color Health
Classification: Likely benign for Hereditary cancer-predisposing syndrome. Last evaluated: 2016-12-19. Review status: criteria provided, single submitter. Criteria: ACMG Guidelines, 2015. Collection method: clinical testing. Allele origin: germline.

NM_000465.4(BARD1):c.1701T>C (p.Asp567=)

Gene: BARD1 (BRCA1 associated RING domain 1; minus strand). Cytogenetic location: 2q35.
Variant type: single nucleotide variant.
Coding change: c.1701T>C on transcript NM_000465.4 (MANE Select); coding-DNA position 1701, T replaced by C.
Protein change: p.Asp567=; no amino-acid change (aspartic acid 567 retained).
Molecular consequence: synonymous variant. On other transcripts: non-coding transcript variant (3), intron variant (1).
Genome position (GRCh38, 1-based): chr2:214,745,831, A>G on the plus strand (T>C on the coding strand, the complement: BARD1 is on the minus strand). VCF-style: chr2-214745831-A-G. GRCh37 (hg19) VCF-style: chr2-215610555-A-G.
Other names: c.1644T>C, p.Asp548= (NM_001282543.2); c.348T>C, p.Asp116= (NM_001282545.2); c.291T>C, p.Asp97= (NM_001282548.2); c.365-15323T>C (NM_001282549.2).
Identifiers: ClinVar variation 490945 (VCV000490945.16), dbSNP rs1191401261, ClinGen allele CA431145982.